The following is an entry in ClinVar:

ClinVar aggregate classification (germline): Pathogenic (1 of 4 stars; one submission).

Conditions:
Deficiency of alpha-mannosidase (MANSA). Also called: LYSOSOMAL ALPHA-D-MANNOSIDASE DEFICIENCY; Alpha-Mannosidosis; Mannosidosis, alpha-, types I and II. Identifiers: Orphanet 61, MedGen C0024748, MONDO:0009561, OMIM 248500.

Submission:

Myriad Genetics, Inc.
Classification: Pathogenic for Deficiency of alpha-mannosidase. Last evaluated: 2023-09-27. Review status: criteria provided, single submitter. Criteria: Myriad Autosomal Dominant, Autosomal Recessive and X-Linked Classification Criteria (2023). Collection method: clinical testing. Allele origin: unknown.
Comment: NM_000528.3(MAN2B1):c.1189dupG(A397Gfs*42) is expected to be pathogenic in the context of alpha-mannosidosis. This variant is predicted to lead to an abnormal or absent protein product due to the creation of a premature termination codon in MAN2B1, a gene where loss-of-function variants are known to be pathogenic. Please note: this variant was assessed in the context of healthy population screening.

NM_000528.4(MAN2B1):c.1189dup (p.Ala397fs)

Gene: MAN2B1 (mannosidase alpha class 2B member 1; minus strand). Cytogenetic location: 19p13.13.
Variant type: Duplication.
Coding change: c.1189dup on transcript NM_000528.4 (MANE Select); coding-DNA position 1189, one base duplicated (G; older notation c.1189dupG).
Protein change: p.Ala397fs; shifts the reading frame from alanine 397.
Molecular consequence: frameshift variant.
Genome position (GRCh38, 1-based): chr19:12,658,265, C duplicated on the plus strand (G on the coding strand, the reverse complement: MAN2B1 is on the minus strand); the first of 2 consecutive C bases (chr19:12,658,265-12,658,266); duplicating either gives the same sequence. VCF-style (leftmost placement, unchanged base first): chr19-12658264-G-GC. GRCh37 (hg19) VCF-style: chr19-12769078-G-GC.
Other names: c.1186dup, p.Ala396fs (NM_001173498.2); c.1192dup, p.Ala398fs (NM_001440570.1); short protein forms A396fs, A397fs, A398fs.
Identifiers: ClinVar variation 5012097 (VCV005012097.1).
Genomic context (GRCh38, chr19:12,658,264, plus strand): 5'-CTAGCCCGGCTCCTACCCACCTGCAGGAAGTTGTAGCTGAGGCGCTCGTAGCGTTTGAGG[G>GC]CCGGCCGACTGGAAAAGTAACCGGTCCAGAACTGGTGGGGGCCATCCGCGTAAGGGAAGA-3'